The following is an entry in ClinVar:

NM_000136.3(FANCC):c.388G>T (p.Glu130Ter)

Gene: FANCC (FA complementation group C; minus strand). Cytogenetic location: 9q22.32.
Variant type: single nucleotide variant.
Coding change: c.388G>T on transcript NM_000136.3 (MANE Select); coding-DNA position 388, G replaced by T.
Protein change: p.Glu130Ter; replaces glutamic acid 130 with a stop codon.
Molecular consequence: nonsense.
Genome position (GRCh38, 1-based): chr9:95,172,105, C>A on the plus strand (G>T on the coding strand, the complement: FANCC is on the minus strand). VCF-style: chr9-95172105-C-A. GRCh37 (hg19) VCF-style: chr9-97934387-C-A.
Other names: c.388G>T, p.Glu130Ter (NM_001243743.2, NM_001243744.2); short protein forms E130*.
Identifiers: ClinVar variation 234810 (VCV000234810.3), dbSNP rs876661231, ClinGen allele CA10577382.

ClinVar aggregate classification (germline): Pathogenic/Likely pathogenic. Review status: criteria provided, multiple submitters, no conflicts (2 of 4 stars). 2 submissions from 2 submitters: Pathogenic (1); Likely pathogenic (1). Last evaluated 2023-08-11.

Conditions:
Fanconi anemia complementation group C (FANCC). Also called: Fanconi anemia, group C; FANCONI PANCYTOPENIA, TYPE 3; FACC; FANCC-Related Fanconi Anemia. Identifiers: Orphanet 84, MedGen C3468041, MONDO:0009213, OMIM 227645.

Submissions (2):

Myriad Genetics, Inc.
Classification: Pathogenic for Fanconi anemia complementation group C. Last evaluated: 2023-08-11. Review status: criteria provided, single submitter. Criteria: Myriad Autosomal Dominant, Autosomal Recessive and X-Linked Classification Criteria (2023). Collection method: clinical testing. Allele origin: unknown.
Comment: NM_000136.2(FANCC):c.388G>T(E130*) is expected to be pathogenic in the context of Fanconi anemia, FANCC-related. This variant is predicted to lead to an abnormal or absent protein product due to the creation of a premature termination codon in FANCC, a gene where loss-of-function variants are known to be pathogenic. Please note: this variant was assessed in the context of healthy population screening.

GeneDx
Classification: Likely pathogenic. Last evaluated: 2018-05-16. Review status: criteria provided, single submitter. Criteria: GeneDx Variant Classification (06012015). Collection method: clinical testing. Allele origin: germline. Affected: yes.
Comment: This variant is denoted FANCC c.388G>T at the cDNA level and p.Glu130Ter (E130X) at the protein level. The substitution creates a nonsense variant, which changes a Glutamic Acid to a premature stop codon (GAA>TAA), and is predicted to cause loss of normal protein function through either protein truncation or nonsense-mediated mRNA decay. Although this variant has not, to our knowledge, been reported in the literature, it is considered likely pathogenic.